The following is an entry in ClinVar:

NM_001385012.1(NBEA):c.1990C>A (p.Pro664Thr)

Gene: NBEA (neurobeachin; plus strand). Cytogenetic location: 13q13.3.
Variant type: single nucleotide variant.
Coding change: c.1990C>A on transcript NM_001385012.1 (MANE Select); coding-DNA position 1990, C replaced by A.
Protein change: p.Pro664Thr; replaces proline 664 with threonine.
Molecular consequence: missense variant.
Genome position (GRCh38, 1-based): chr13:35,110,966, C>A. VCF-style: chr13-35110966-C-A. GRCh37 (hg19) VCF-style: chr13-35685103-C-A.
Other names: c.1990C>A, p.Pro664Thr (NM_001379245.1, NM_015678.5); short protein forms P664T.
Identifiers: ClinVar variation 1683678 (VCV001683678.2), dbSNP rs1421709090, ClinGen allele CA387831357.
Genomic context (GRCh38, chr13:35,110,966, plus strand): 5'-ATGCACACCTTAAAATATTACTACTGGGTTATTAATCCTGCTGACAGTAGTGGCATTACA[C>A]CTAAAGGATTAGGTATGTATACCACTTCCACTGTATTTACATTTGCCTATGATTATTCTG-3'
Protein context (NP_001371941.1, residues 654-674): INPADSSGIT[Pro664Thr]KGLDGPRPSQ

ClinVar aggregate classification (germline): Uncertain significance (1 of 4 stars; one submission).

Conditions:
Neurodevelopmental disorder with or without early-onset generalized epilepsy. Identifiers: MedGen C5436914, MONDO:0030930, OMIM 619157.

Submission:

Laboratorio de Genetica e Diagnostico Molecular, Hospital Israelita Albert Einstein
Classification: Uncertain significance for Neurodevelopmental disorder with or without early-onset generalized epilepsy. Last evaluated: 2021-05-13. Review status: criteria provided, single submitter. Criteria: ACMG Guidelines, 2015. Collection method: clinical testing. Allele origin: germline. Affected: yes.
Comment: ACMG classification criteria: PM2 moderate, BP4 supporting